The following is an entry in ClinVar:

NM_032656.4(DHX37):c.1616A>G (p.His539Arg)

Gene: DHX37 (DEAH-box helicase 37; minus strand). Cytogenetic location: 12q24.31.
Variant type: single nucleotide variant.
Coding change: c.1616A>G on transcript NM_032656.4 (MANE Select); coding-DNA position 1616, A replaced by G.
Protein change: p.His539Arg; replaces histidine 539 with arginine.
Molecular consequence: missense variant.
Genome position (GRCh38, 1-based): chr12:124,965,787, T>C on the plus strand (A>G on the coding strand, the complement: DHX37 is on the minus strand). VCF-style: chr12-124965787-T-C. GRCh37 (hg19) VCF-style: chr12-125450333-T-C.
Other names: short protein forms H539R.
Identifiers: ClinVar variation 4804584 (VCV004804584.1).

ClinVar aggregate classification (germline): Uncertain significance (1 of 4 stars; one submission).

Submission:

Labcorp Genetics (formerly Invitae), Labcorp
Classification: Uncertain significance. Last evaluated: 2025-03-12. Review status: criteria provided, single submitter. Criteria: Invitae Variant Classification Sherloc (09022015). Collection method: clinical testing. Allele origin: germline.
Comment: This sequence change replaces histidine, which is basic and polar, with arginine, which is basic and polar, at codon 539 of the DHX37 protein (p.His539Arg). This variant is not present in population databases (gnomAD no frequency). This variant has not been reported in the literature in individuals affected with DHX37-related conditions. Invitae Evidence Modeling of protein sequence and biophysical properties (such as structural, functional, and spatial information, amino acid conservation, physicochemical variation, residue mobility, and thermodynamic stability) indicates that this missense variant is not expected to disrupt DHX37 protein function with a negative predictive value of 80%. In summary, the available evidence is currently insufficient to determine the role of this variant in disease. Therefore, it has been classified as a Variant of Uncertain Significance.